The following is an entry in ClinVar:

NM_003467.3(CXCR4):c.1032dup (p.Glu345Ter)

Gene: CXCR4 (C-X-C motif chemokine receptor 4; minus strand). Cytogenetic location: 2q22.1.
Variant type: Duplication.
Coding change: c.1032dup on transcript NM_003467.3 (MANE Select); coding-DNA position 1032, one base duplicated (T; older notation c.1032dupT).
Protein change: p.Glu345Ter; replaces glutamic acid 345 with a stop codon.
Molecular consequence: nonsense.
Genome position (GRCh38, 1-based): chr2:136,114,896, A duplicated on the plus strand (T on the coding strand, the reverse complement: CXCR4 is on the minus strand). VCF-style (leftmost placement, unchanged base first): chr2-136114895-C-CA. GRCh37 (hg19) VCF-style: chr2-136872465-C-CA.
Other names: c.1044dup, p.Glu349Ter (NM_001008540.2); c.1245dup, p.Glu416Ter (NM_001348056.2); c.1131dup, p.Glu378Ter (NM_001348059.2); c.987dup, p.Glu330Ter (NM_001348060.2); short protein forms E330*, E345*, E349*, E378*, E416*.
Identifiers: ClinVar variation 3902810 (VCV003902810.2).

ClinVar aggregate classification (germline): Likely pathogenic (1 of 4 stars; one submission).

Conditions:
WHIM syndrome 1 (WHIMS). Identifiers: Orphanet 51636, MedGen C5542296, MONDO:8000006, OMIM 193670.

Submission:

Research Department, X4 Pharmaceuticals (Austria) GmbH
Classification: Likely pathogenic for WHIM syndrome 1. Last evaluated: 2025-06-03. Review status: criteria provided, single submitter. Criteria: ACMG Guidelines, 2015. Collection method: curation, in vitro. Allele origin: germline, not applicable. Inheritance: Autosomal dominant inheritance. Affected: yes. Observed: 1 variant allele, 1 heterozygote. Functional consequence: gain_of_function_variant.
Comment: The Glu345* premature translational stop variant has been observed in an individual with clinical features of WHIM syndrome (PMID: 38286463). The variant was observed to be de novo. This variant is located in a region of the CXCR4 protein where a significant number of CXCR4 nonsense and frameshift mutations have been reported in association with autosomal dominant WHIM syndrome (PMID: 31313072, 32784523, 35947323, 39040098). Experimental studies have shown that this missense change affects CXCR4 function (PMCID: PMC9430419). This variant is not present in population databases (gnomAD no frequency).

Literature cited by the submitters: PubMed 38286463; PMC 9430419.